The following is an entry in ClinVar:

NC_000010.10:g.(?_95421816)_(95422935_?)del

Gene: PDE6C (phosphodiesterase 6C; plus strand). Cytogenetic location: 10q23.33.
Variant type: Deletion.
Identifiers: ClinVar variation 1015498 (VCV001015498.7).

ClinVar aggregate classification (germline): Likely pathogenic (1 of 4 stars; one submission).

Submission:

Labcorp Genetics (formerly Invitae), Labcorp
Classification: Likely pathogenic. Last evaluated: 2021-04-16. Review status: criteria provided, single submitter. Criteria: Invitae Variant Classification Sherloc (09022015). Collection method: clinical testing. Allele origin: germline.
Comment: In summary, the currently available evidence indicates that the variant is pathogenic, but additional data are needed to prove that conclusively. Therefore, this variant has been classified as Likely Pathogenic. This variant disrupts the C-terminus of the PDE6C protein. Other variant(s) that disrupt this region (p.Gly836Glufs*21, p.Gly835*) have been observed in individuals with PDE6C-related conditions (PMID: 31144483, 31826238). This suggests that this may be a clinically significant region of the protein. This variant has been observed in individual(s) with clinical features of PDE6C-related conditions (Invitae). This variant is a gross deletion of the genomic region encompassing exon(s) 19-21 of the PDE6C gene. While this deletion is not anticipated to lead to nonsense mediated decay, it is expected to disrupt the C-terminus of the protein.

Literature cited by the submitters: PubMed 31144483; PubMed 31826238.